The following is an entry in ClinVar:

NM_024870.4(PREX2):c.4796C>T (p.Pro1599Leu)

Gene: PREX2 (phosphatidylinositol-3,4,5-trisphosphate dependent Rac exchange factor 2; plus strand). Cytogenetic location: 8q13.2.
Variant type: single nucleotide variant.
Coding change: c.4796C>T on transcript NM_024870.4 (MANE Select); coding-DNA position 4796, C replaced by T.
Protein change: p.Pro1599Leu; replaces proline 1599 with leucine.
Molecular consequence: missense variant.
Genome position (GRCh38, 1-based): chr8:68,231,353, C>T. VCF-style: chr8-68231353-C-T. GRCh37 (hg19) VCF-style: chr8-69143588-C-T.
Other names: short protein forms P1599L.
Identifiers: ClinVar variation 3042867 (VCV003042867.2), dbSNP rs150821816, ClinGen allele CA4774922.

ClinVar aggregate classification (germline): Benign (0 of 4 stars; one submission).

Conditions:
PREX2-related disorder. Also called: PREX2-related condition.

Allele frequency attached by ClinVar (database versions not stated): 1000 Genomes Project 30x 0.00016; 1000 Genomes Project 0.00020; ESP Exome Variant Server 0.00046; TOPMed 0.00046; gnomAD 0.00106; gnomAD exomes 0.00106; ExAC 0.00124.
gnomAD v4.1: 1,692 of 1,602,108 alleles (0.11%); highest among the groups gnomAD compares: Non-Finnish European, 0.086%; no homozygotes.

Submission:

PreventionGenetics, part of Exact Sciences
Classification: Benign for PREX2-related condition. Last evaluated: 2019-06-27. Review status: no assertion criteria provided. Collection method: clinical testing. Allele origin: germline.
Comment: This variant is classified as benign based on ACMG/AMP sequence variant interpretation guidelines (Richards et al. 2015 PMID: 25741868, with internal and published modifications).